The following is an entry in ClinVar:

ClinVar aggregate classification (germline): Conflicting classifications of pathogenicity. Review status: criteria provided, conflicting classifications (1 of 4 stars). 8 submissions from 8 submitters: Uncertain significance (6); Likely benign (2). Last evaluated 2025-12-22.

Conditions:
Renal cell carcinoma. Identifiers: Orphanet 217071, MedGen C0007134, MeSH D002292, MONDO:0005086, HP:0005584.
Osteofibrous dysplasia (OSFD). Also called: Tibia, bowing of, with pseudarthrosis and pectus excavatum. Identifiers: Orphanet 488265, MedGen C4085248, MONDO:0011806, OMIM 607278.
Autosomal recessive nonsyndromic hearing loss 97. Also called: Deafness, autosomal recessive 97. Identifiers: Orphanet 90636, MedGen C4084709, MONDO:0014739, OMIM 616705.
Papillary renal cell carcinoma type 1 (RCCP1). Also called: Renal adenocarcinoma; Renal cell carcinoma 1; Renal cell carcinoma, somatic; RENAL CELL CARCINOMA, PAPILLARY, 1, SOMATIC. Identifiers: Orphanet 47044, MedGen C1336839, OMIM 605074, HP:0011797.
Hepatocellular carcinoma (HCC). Also called: Primary carcinoma of liver; HEPATOMA; LIVER CELL CARCINOMA. Identifiers: Orphanet 88673, MedGen C2239176, MONDO:0007256, OMIM 114550, HP:0001402.
MET-related disorder. Also called: MET-related condition.
Hereditary cancer-predisposing syndrome. Also called: Neoplastic Syndromes, Hereditary; Tumor predisposition; Hereditary Cancer Syndrome; Hereditary neoplastic syndrome. Identifiers: Orphanet 140162, MedGen C0027672, MeSH D009386, MONDO:0015356.

Allele frequency attached by ClinVar (database versions not stated): gnomAD exomes 0.00002; gnomAD 0.00003; ExAC 0.00004; TOPMed 0.00005; ESP Exome Variant Server 0.00008; 1000 Genomes Project 0.00060; 1000 Genomes Project 30x 0.00062.
gnomAD v4.1: 29 of 1,613,944 alleles (0.0018%); highest among the groups gnomAD compares: African/African-American, 0.024%; no homozygotes.

Submissions (8):

Labcorp Genetics (formerly Invitae), Labcorp
Classification: Likely benign for Renal cell carcinoma. Last evaluated: 2025-12-22. Review status: criteria provided, single submitter. Criteria: Invitae Variant Classification Sherloc (09022015). Collection method: clinical testing. Allele origin: germline.

PreventionGenetics, part of Exact Sciences
Classification: Uncertain significance for MET-related condition. Last evaluated: 2025-08-24. Review status: criteria provided, single submitter. Criteria: ACMG Guidelines, 2015. Collection method: clinical testing. Allele origin: germline.
Comment: The MET c.2609T>A variant is predicted to result in the amino acid substitution p.Met870Lys. On an alternate transcript NM_000245 this variant is referred to as c.2555T>A (p.Met852Lys). To our knowledge, this variant has not been reported in the literature. This variant is reported in 0.017% of alleles in individuals of African descent in gnomAD and has conflicting interpretations of pathogenicity in the ClinVar database, ranging from uncertain to likely benign (Variation ID: 219422). At this time, the clinical significance of this variant is uncertain due to the absence of conclusive functional and genetic evidence.

Dasa
Classification: Uncertain significance. Last evaluated: 2025-03-31. Review status: criteria provided, single submitter. Criteria: DASA Assertion Criteria. Collection method: clinical testing. Allele origin: germline.
Comment: NM_000245.4(MET):c.2555T>A (p.Met852Lys) is a missense variant that results in the substitution of methionine with lysine. This variant is rare in population databases. Computational prediction algorithms are consistent with a benign effect. The currently available literature and clinical evidence are not sufficient to establish a definitive association between this variant and the reported condition. Therefore, this variant is classified as a variant of uncertain significance.

Center for Genomic Medicine, Rigshospitalet, Copenhagen University Hospital
Classification: Uncertain significance. Last evaluated: 2025-03-04. Review status: criteria provided, single submitter. Criteria: ACMG Guidelines, 2015. Collection method: clinical testing. Allele origin: germline.

GeneDx
Classification: Uncertain significance. Last evaluated: 2025-02-24. Review status: criteria provided, single submitter. Criteria: GeneDx Variant Classification Process June 2021. Collection method: clinical testing. Allele origin: germline. Affected: yes.
Comment: In silico analysis indicates that this missense variant does not alter protein structure/function; Has not been previously published as pathogenic or benign to our knowledge

Quest Diagnostics Nichols Institute San Juan Capistrano
Classification: Uncertain significance. Last evaluated: 2023-12-28. Review status: criteria provided, single submitter. Criteria: Quest Diagnostics criteria. Collection method: clinical testing. Allele origin: unknown.

Ambry Genetics
Classification: Likely benign for Hereditary cancer-predisposing syndrome. Last evaluated: 2022-05-11. Review status: criteria provided, single submitter. Criteria: Ambry Variant Classification Scheme 2023. Collection method: clinical testing. Allele origin: germline.

Fulgent Genetics
Classification: Uncertain significance for Hepatocellular carcinoma; Papillary renal cell carcinoma type 1; Osteofibrous dysplasia; Autosomal recessive nonsyndromic hearing loss 97. Last evaluated: 2021-09-30. Review status: criteria provided, single submitter. Criteria: ACMG Guidelines, 2015. Collection method: clinical testing. Allele origin: unknown.

NM_000245.4(MET):c.2555T>A (p.Met852Lys)

Gene: MET (MET proto-oncogene, receptor tyrosine kinase; plus strand). Cytogenetic location: 7q31.2.
Variant type: single nucleotide variant.
Coding change: c.2555T>A on transcript NM_000245.4 (MANE Select); coding-DNA position 2555, T replaced by A.
Protein change: p.Met852Lys; replaces methionine 852 with lysine.
Molecular consequence: missense variant.
Genome position (GRCh38, 1-based): chr7:116,763,240, T>A. VCF-style: chr7-116763240-T-A. GRCh37 (hg19) VCF-style: chr7-116403294-T-A.
Other names: c.2609T>A, p.Met870Lys (NM_001127500.3); c.2555T>A, p.Met852Lys (NM_001324401.3); c.1265T>A, p.Met422Lys (NM_001324402.2); c.2609T>A (NM_001127500.2); short protein forms M870K, M852K, M422K.
Identifiers: ClinVar variation 219422 (VCV000219422.22), dbSNP rs369758288, ClinGen allele CA349639.